The following is an entry in ClinVar:

ClinVar aggregate classification (germline): Pathogenic/Likely pathogenic. Review status: criteria provided, multiple submitters, no conflicts (2 of 4 stars). 3 submissions from 3 submitters: Pathogenic (1); Likely pathogenic (2). Last evaluated 2025-09-25.

Conditions:
Propionic acidemia (PROP). Also called: GLYCINEMIA, KETOTIC; HYPERGLYCINEMIA WITH KETOACIDOSIS AND LEUKOPENIA; KETOTIC HYPERGLYCINEMIA. Identifiers: Orphanet 35, MedGen C0268579, MONDO:0011628, OMIM 606054, HP:0003571.

Allele frequency attached by ClinVar (database versions not stated): gnomAD exomes below 0.00001 and 0.00001; TOPMed below 0.00001.
gnomAD v4.1: 13 of 1,612,222 alleles (0.00081%); highest among the groups gnomAD compares: African/African-American, 0.0013%; no homozygotes.

Submissions (3):

Natera, Inc.
Classification: Likely pathogenic for Propionic acidemia. Last evaluated: 2025-09-25. Review status: criteria provided, single submitter. Criteria: Natera Variant Classification Schema (03/2026). Collection method: clinical testing. Allele origin: germline.
Comment: The c.1126C>T variant in PCCB is a missense variant predicted to cause substitution of arginine to cysteine at amino acid 376. This variant is rare in the general population with a frequency below the threshold expected for the associated phenotype(s). This variant has been identified in one or more affected individual with a phenotype highly consistent with the associated gene (PMID: 19342984). A different variant at the same position has been determined to be Pathogenic or Likely Pathogenic. Computational prediction algorithms indicate this variant is likely to affect gene or protein function. Given the available evidence, this variant is classified as Likely Pathogenic.

Women's Health and Genetics/Laboratory Corporation of America, LabCorp
Classification: Likely pathogenic for Propionic acidemia. Last evaluated: 2025-06-30. Review status: criteria provided, single submitter. Criteria: LabCorp Variant Classification Summary - May 2015. Collection method: clinical testing. Allele origin: germline.
Comment: Variant summary: PCCB c.1126C>T (p.Arg376Cys) results in a non-conservative amino acid change located in the Acetyl-coenzyme A carboxyltransferase, C-terminal domain (IPR011763) of the encoded protein sequence. Algorithms developed to predict the effect of missense changes on protein structure and function all suggest that this variant is likely to be disruptive. The variant allele was found at a frequency of 4e-06 in 251378 control chromosomes (gnomAD). c.1126C>T has been observed in presumed compound heterozygous genotype in at least one individual affected with Propionic Acidemia (de Keyzer_2009, Nizon_2013). Two different variants affecting the same codon have been classified as likely pathogenic by our lab (c.1127G>A (p.Arg376His) and c.1127G>T (p.Arg376Leu)), supporting the critical relevance of codon 376 to PCCB protein function. To our knowledge, no experimental evidence demonstrating an impact on protein function has been reported. The following publications have been ascertained in the context of this evaluation (PMID: 24059531, 19342984). ClinVar contains an entry for this variant (Variation ID: 1451151). Based on the evidence outlined above, the variant was classified as likely pathogenic.

Labcorp Genetics (formerly Invitae), Labcorp
Classification: Pathogenic for Propionic acidemia. Last evaluated: 2025-06-27. Review status: criteria provided, single submitter. Criteria: Invitae Variant Classification Sherloc (09022015). Collection method: clinical testing. Allele origin: germline.
Comment: This sequence change replaces arginine, which is basic and polar, with cysteine, which is neutral and slightly polar, at codon 376 of the PCCB protein (p.Arg376Cys). This variant is present in population databases (rs200306164, gnomAD 0.007%). This missense change has been observed in individual(s) with propionic acidemia (PMID: 19342984). ClinVar contains an entry for this variant (Variation ID: 1451151). Invitae Evidence Modeling of protein sequence and biophysical properties (such as structural, functional, and spatial information, amino acid conservation, physicochemical variation, residue mobility, and thermodynamic stability) indicates that this missense variant is expected to disrupt PCCB protein function with a positive predictive value of 95%. This variant disrupts the p.Arg376 amino acid residue in PCCB. Other variant(s) that disrupt this residue have been determined to be pathogenic (PMID: 27900673; internal data). This suggests that this residue is clinically significant, and that variants that disrupt this residue are likely to be disease-causing. For these reasons, this variant has been classified as Pathogenic.

Literature cited by the submitters: PubMed 19342984 (cited by 3 submitters); PubMed 24059531 (cited by Women's Health and Genetics/Laboratory Corporation of America, LabCorp); PubMed 27900673 (cited by Labcorp Genetics (formerly Invitae), Labcorp).

NM_000532.5(PCCB):c.1126C>T (p.Arg376Cys)

Gene: PCCB (propionyl-CoA carboxylase subunit beta; plus strand). Cytogenetic location: 3q22.3.
Variant type: single nucleotide variant.
Coding change: c.1126C>T on transcript NM_000532.5 (MANE Select); coding-DNA position 1126, C replaced by T.
Protein change: p.Arg376Cys; replaces arginine 376 with cysteine.
Molecular consequence: missense variant.
Genome position (GRCh38, 1-based): chr3:136,326,838, C>T. VCF-style: chr3-136326838-C-T. GRCh37 (hg19) VCF-style: chr3-136045680-C-T.
Other names: c.1186C>T, p.Arg396Cys (NM_001178014.2); short protein forms R376C, R396C.
Identifiers: ClinVar variation 1451151 (VCV001451151.12), dbSNP rs200306164, ClinGen allele CA83819667.
Genomic context (GRCh38, chr3:136,326,838, plus strand): 5'-GTATGGATAATCTCTCTCTTTCTAGGATGCTTGGATATTAATTCATCTGTGAAAGGGGCT[C>T]GTTTTGTCAGATTCTGTGATGCATTCAATATTCCACTCATCACTTTTGTTGATGTCCCTG-3'
Protein context (NP_000523.2, residues 366-386): LDINSSVKGA[Arg376Cys]FVRFCDAFNI